The following is an entry in ClinVar:

NM_139076.3(ABRAXAS1):c.31_45del (p.Ser11_Leu15del)

Genes: ABRAXAS1 (abraxas 1, BRCA1 A complex subunit; minus strand), LOC129992784 (ATAC-STARR-seq lymphoblastoid silent region 15542; plus strand). Cytogenetic location: 4q21.23.
Variant type: Deletion.
Coding change: c.31_45del on transcript NM_139076.3 (MANE Select); coding-DNA positions 31 to 45, 15 bases deleted (TCGGGCTTTGTGCTC).
Protein change: p.Ser11_Leu15del.
Molecular consequence: inframe deletion. On other transcripts: 5 prime UTR variant (1).
Genome position (GRCh38, 1-based): chr4:83,485,028-83,485,042, GAGCACAAAGCCCGA deleted on the plus strand (TCGGGCTTTGTGCTC on the coding strand, the reverse complement: ABRAXAS1 is on the minus strand); deleting any 15 consecutive bases within chr4:83,485,028-83,485,048 gives the same sequence; the c. name uses the placement nearest the transcript's 3' end. VCF-style (leftmost placement, unchanged base first): chr4-83485027-CGAGCACAAAGCCCGA-C. GRCh37 (hg19) VCF-style: chr4-84406180-CGAGCACAAAGCCCGA-C.
Other names: c.-230_-216del (NM_001345962.2).
Identifiers: ClinVar variation 4718174 (VCV004718174.1).

ClinVar aggregate classification (germline): Uncertain significance (1 of 4 stars; one submission).

Submission:

Labcorp Genetics (formerly Invitae), Labcorp
Classification: Uncertain significance. Last evaluated: 2025-04-23. Review status: criteria provided, single submitter. Criteria: Invitae Variant Classification Sherloc (09022015). Collection method: clinical testing. Allele origin: germline.
Comment: This variant, c.31_45del, results in the deletion of 5 amino acid(s) of the ABRAXAS1 protein (p.Ser11_Leu15del), but otherwise preserves the integrity of the reading frame. This variant is not present in population databases (gnomAD no frequency). This variant has not been reported in the literature in individuals affected with ABRAXAS1-related conditions. Experimental studies and prediction algorithms are not available or were not evaluated, and the functional significance of this variant is currently unknown. In summary, the available evidence is currently insufficient to determine the role of this variant in disease. Therefore, it has been classified as a Variant of Uncertain Significance.